The following is an entry in ClinVar:

NM_001161403.3(LIMS2):c.703C>T (p.Arg235Trp)

Gene: LIMS2 (LIM zinc finger domain containing 2; minus strand). Cytogenetic location: 2q14.3.
Variant type: single nucleotide variant.
Coding change: c.703C>T on transcript NM_001161403.3 (MANE Select); coding-DNA position 703, C replaced by T.
Protein change: p.Arg235Trp; replaces arginine 235 with tryptophan.
Molecular consequence: missense variant.
Genome position (GRCh38, 1-based): chr2:127,640,946, G>A on the plus strand (C>T on the coding strand, the complement: LIMS2 is on the minus strand). VCF-style: chr2-127640946-G-A. GRCh37 (hg19) VCF-style: chr2-128398521-G-A.
Other names: c.769C>T, p.Arg257Trp (NM_001136037.4); c.688C>T, p.Arg230Trp (NM_001161404.2); c.247C>T, p.Arg83Trp (NM_001161405.1, NM_001256542.2); c.775C>T, p.Arg259Trp (NM_017980.5); c.775C>T (NM_017980.4); short protein forms R230W, R235W, R257W, R259W, R83W.
Identifiers: ClinVar variation 2433447 (VCV002433447.7), dbSNP rs140508168, ClinGen allele CA1862923.

ClinVar aggregate classification (germline): Uncertain significance. Review status: criteria provided, multiple submitters, no conflicts (2 of 4 stars). 3 submissions from 3 submitters: Uncertain significance (3). Last evaluated 2025-12-25.

Conditions:
Autosomal recessive limb-girdle muscular dystrophy type 2W (MDRCMTT). Also called: Muscular dystrophy, limb-girdle, type 2W; Muscular dystrophy, autosomal recessive, with cardiomyopathy and triangular tongue. Identifiers: MedGen C4225192, MONDO:0014788, OMIM 616827.

Allele frequency attached by ClinVar (database versions not stated): TOPMed 0.00007; ESP Exome Variant Server 0.00023.

Submissions (3):

Labcorp Genetics (formerly Invitae), Labcorp
Classification: Uncertain significance for Autosomal recessive limb-girdle muscular dystrophy type 2W. Last evaluated: 2025-12-25. Review status: criteria provided, single submitter. Criteria: Invitae Variant Classification Sherloc (09022015). Collection method: clinical testing. Allele origin: germline.
Comment: This sequence change replaces arginine, which is basic and polar, with tryptophan, which is neutral and slightly polar, at codon 257 of the LIMS2 protein (p.Arg257Trp). This variant is present in population databases (rs140508168, gnomAD 0.02%). This variant has not been reported in the literature in individuals affected with LIMS2-related conditions. ClinVar contains an entry for this variant (Variation ID: 2433447). Invitae Evidence Modeling of protein sequence and biophysical properties (such as structural, functional, and spatial information, amino acid conservation, physicochemical variation, residue mobility, and thermodynamic stability) has been performed for this missense variant. However, the output from this modeling did not meet the statistical confidence thresholds required to predict the impact of this variant on LIMS2 protein function. In summary, the available evidence is currently insufficient to determine the role of this variant in disease. Therefore, it has been classified as a Variant of Uncertain Significance.

Ambry Genetics
Classification: Uncertain significance. Last evaluated: 2022-10-25. Review status: criteria provided, single submitter. Criteria: Ambry Variant Classification Scheme 2023. Collection method: clinical testing. Allele origin: germline.

Revvity Omics, Revvity
Classification: Uncertain significance for Autosomal recessive limb-girdle muscular dystrophy type 2W. Last evaluated: 2020-08-08. Review status: criteria provided, single submitter. Criteria: ACMG Guidelines, 2015. Collection method: clinical testing. Allele origin: germline.